The following is an entry in ClinVar:

NM_001089.3(ABCA3):c.3341C>T (p.Thr1114Met)

Gene: ABCA3 (ATP binding cassette subfamily A member 3; minus strand). Cytogenetic location: 16p13.3.
Variant type: single nucleotide variant.
Coding change: c.3341C>T on transcript NM_001089.3 (MANE Select); coding-DNA position 3341, C replaced by T.
Protein change: p.Thr1114Met; replaces threonine 1114 with methionine.
Molecular consequence: missense variant.
Genome position (GRCh38, 1-based): chr16:2,285,584, G>A on the plus strand (C>T on the coding strand, the complement: ABCA3 is on the minus strand). VCF-style: chr16-2285584-G-A. GRCh37 (hg19) VCF-style: chr16-2335585-G-A.
Other names: short protein forms T1114M.
Identifiers: ClinVar variation 2627240 (VCV002627240.5), dbSNP rs891579143, ClinGen allele CA276822666.

ClinVar aggregate classification (germline): Likely pathogenic. Review status: criteria provided, multiple submitters, no conflicts (2 of 4 stars). 3 submissions from 3 submitters: Likely pathogenic (3). Last evaluated 2024-03-21.

Conditions:
Interstitial lung disease due to ABCA3 deficiency. Also called: PULMONARY ALVEOLAR PROTEINOSIS, CONGENITAL, 3. Identifiers: Orphanet 440402, MedGen C1970456, MONDO:0012582, OMIM 610921.

Allele frequency attached by ClinVar (database versions not stated): TOPMed below 0.00001; gnomAD 0.00001; gnomAD exomes 0.00002.
gnomAD v4.1: 23 of 1,565,940 alleles (0.0015%); highest among the groups gnomAD compares: Admixed American, 0.0038%; no homozygotes.

Submissions (3):

Fulgent Genetics
Classification: Likely pathogenic for Interstitial lung disease due to ABCA3 deficiency. Last evaluated: 2024-03-21. Review status: criteria provided, single submitter. Criteria: ACMG Guidelines, 2015. Collection method: clinical testing. Allele origin: germline.

Labcorp Genetics (formerly Invitae), Labcorp
Classification: Likely pathogenic. Last evaluated: 2023-10-13. Review status: criteria provided, single submitter. Criteria: Invitae Variant Classification Sherloc (09022015). Collection method: clinical testing. Allele origin: germline.
Comment: This sequence change replaces threonine, which is neutral and polar, with methionine, which is neutral and non-polar, at codon 1114 of the ABCA3 protein (p.Thr1114Met). This variant is present in population databases (no rsID available, gnomAD 0.008%). This missense change has been observed in individual(s) with clinical features of autosomal recessive ABCA3-related conditions (PMID: 15976379, 18024538). Advanced modeling of protein sequence and biophysical properties (such as structural, functional, and spatial information, amino acid conservation, physicochemical variation, residue mobility, and thermodynamic stability) performed at Invitae indicates that this missense variant is not expected to disrupt ABCA3 protein function. Experimental studies have shown that this missense change affects ABCA3 function (PMID: 18676873, 31210424). This variant disrupts the p.Thr1114 amino acid residue in ABCA3. Other variant(s) that disrupt this residue have been determined to be pathogenic (PMID: 17618459, 18676873). This suggests that this residue is clinically significant, and that variants that disrupt this residue are likely to be disease-causing. In summary, the currently available evidence indicates that the variant is pathogenic, but additional data are needed to prove that conclusively. Therefore, this variant has been classified as Likely Pathogenic.

Women's Health and Genetics/Laboratory Corporation of America, LabCorp
Classification: Likely pathogenic for Interstitial lung disease due to ABCA3 deficiency. Last evaluated: 2023-09-15. Review status: criteria provided, single submitter. Criteria: LabCorp Variant Classification Summary - May 2015. Collection method: clinical testing. Allele origin: germline.
Comment: Variant summary: ABCA3 c.3341C>T (p.Thr1114Met) results in a non-conservative amino acid change located in the ABC-2 type transporter, transmembrane domain (IPR013525) of the encoded protein sequence. Five of five in-silico tools predict a damaging effect of the variant on protein function. The variant allele was found at a frequency of 1.7e-05 in 172072 control chromosomes (gnomAD). The available data on variant occurrences in the general population are insufficient to allow any conclusion about variant significance. c.3341C>T has been reported in the literature in at least two compound heterozygous siblings affected with Pulmonary surfactant metabolism dysfunction (e.g., Bullard_2005, Doan_2008, Wambach_2014). These data indicate that the variant may be associated with disease. At least two publications report experimental evidence evaluating an impact on protein function, finding that the variant results in severely impaired lipid transport (14% of wild-type function) and moderately reduced ATP hydrolysis ((52% of wild-type function; e.g., Matsumara_2008, Kinting_2019). The following publications have been ascertained in the context of this evaluation (PMID: 15976379, 18024538, 31210424, 18676873, 24871971). No submitters have reported clinical-significance assessments for this variant to ClinVar after 2014. Based on the evidence outlined above, the variant was classified as likely pathogenic.

Literature cited by the submitters: PubMed 15976379 (cited by Labcorp Genetics (formerly Invitae), Labcorp and Women's Health and Genetics/Laboratory Corporation of America, LabCorp); PubMed 18024538 (cited by Labcorp Genetics (formerly Invitae), Labcorp and Women's Health and Genetics/Laboratory Corporation of America, LabCorp); PubMed 18676873 (cited by Labcorp Genetics (formerly Invitae), Labcorp and Women's Health and Genetics/Laboratory Corporation of America, LabCorp); PubMed 31210424 (cited by Labcorp Genetics (formerly Invitae), Labcorp and Women's Health and Genetics/Laboratory Corporation of America, LabCorp); PubMed 17618459 (cited by Labcorp Genetics (formerly Invitae), Labcorp); PubMed 24871971 (cited by Women's Health and Genetics/Laboratory Corporation of America, LabCorp).